The following is an entry in ClinVar:

NM_006231.4(POLE):c.3619C>T (p.Pro1207Ser)

Gene: POLE (DNA polymerase epsilon, catalytic subunit; minus strand). Cytogenetic location: 12q24.33.
Variant type: single nucleotide variant.
Coding change: c.3619C>T on transcript NM_006231.4 (MANE Select); coding-DNA position 3619, C replaced by T.
Protein change: p.Pro1207Ser; replaces proline 1207 with serine.
Molecular consequence: missense variant.
Genome position (GRCh38, 1-based): chr12:132,649,853, G>A on the plus strand (C>T on the coding strand, the complement: POLE is on the minus strand). VCF-style: chr12-132649853-G-A. GRCh37 (hg19) VCF-style: chr12-133226439-G-A.
Other names: short protein forms P1207S.
Identifiers: ClinVar variation 240472 (VCV000240472.8), dbSNP rs878854861, ClinGen allele CA10583002.

ClinVar aggregate classification (germline): Uncertain significance (1 of 4 stars; one submission).

Allele frequency attached by ClinVar (database versions not stated): gnomAD exomes below 0.00001.
gnomAD v4.1: 2 of 1,614,098 alleles (0.00012%); highest among the groups gnomAD compares: African/African-American, 0.0013%; no homozygotes.

Submission:

Labcorp Genetics (formerly Invitae), Labcorp
Classification: Uncertain significance. Last evaluated: 2022-03-31. Review status: criteria provided, single submitter. Criteria: Invitae Variant Classification Sherloc (09022015). Collection method: clinical testing. Allele origin: germline.
Comment: ClinVar contains an entry for this variant (Variation ID: 240472). This sequence change replaces proline, which is neutral and non-polar, with serine, which is neutral and polar, at codon 1207 of the POLE protein (p.Pro1207Ser). This variant is present in population databases (no rsID available, gnomAD 0.01%). This variant has not been reported in the literature in individuals affected with POLE-related conditions. Algorithms developed to predict the effect of missense changes on protein structure and function output the following: SIFT: "Tolerated"; PolyPhen-2: "Not Available"; Align-GVGD: "Class C0". The serine amino acid residue is found in multiple mammalian species, which suggests that this missense change does not adversely affect protein function. In summary, the available evidence is currently insufficient to determine the role of this variant in disease. Therefore, it has been classified as a Variant of Uncertain Significance.